The following is an entry in ClinVar:

NM_194279.4(ISCA2):c.291-177C>T

Gene: ISCA2 (iron-sulfur cluster assembly 2; plus strand). Cytogenetic location: 14q24.3.
Variant type: single nucleotide variant.
Coding change: c.291-177C>T on transcript NM_194279.4 (MANE Select); 177 bases into the intron before coding-DNA position 291, C replaced by T.
Molecular consequence: intron variant.
Genome position (GRCh38, 1-based): chr14:74,494,649, C>T. VCF-style: chr14-74494649-C-T. GRCh37 (hg19) VCF-style: chr14-74961352-C-T.
Other names: c.175-177C>T (NM_001272007.2).
Identifiers: ClinVar variation 680619 (VCV000680619.2), dbSNP rs1468503, ClinGen allele CA14008496.

ClinVar aggregate classification (germline): Benign. Review status: criteria provided, multiple submitters, no conflicts (2 of 4 stars). 2 submissions from 2 submitters: Benign (2). Last evaluated 2018-06-14.

Allele frequency attached by ClinVar (database versions not stated): gnomAD 0.19137 and 0.19636; TOPMed 0.19785; 1000 Genomes Project 30x 0.20456; 1000 Genomes Project 0.21506; gnomAD exomes 0.23956.
gnomAD v4.1: 144,957 of 632,960 alleles (23%); highest among the groups gnomAD compares: East Asian, 42%; 18,142 homozygotes.

Submissions (2):

GeneDx
Classification: Benign. Last evaluated: 2018-06-14. Review status: criteria provided, single submitter. Criteria: GeneDx Variant Classification (06012015). Collection method: clinical testing. Allele origin: germline. Affected: yes.
Comment: This variant is considered likely benign or benign based on one or more of the following criteria: it is a conservative change, it occurs at a poorly conserved position in the protein, it is predicted to be benign by multiple in silico algorithms, and/or has population frequency not consistent with disease.

Breakthrough Genomics
Classification: Benign. Review status: criteria provided, single submitter. Criteria: ACMG Guidelines, 2015. Collection method: not provided. Allele origin: germline. Inheritance: Autosomal recessive inheritance. Affected: yes.